The following is an entry in ClinVar:

ClinVar aggregate classification (germline): Conflicting classifications of pathogenicity. Review status: criteria provided, conflicting classifications (1 of 4 stars). 5 submissions from 5 submitters: Uncertain significance (3); Likely benign (2). Last evaluated 2025-07-15.

Conditions:
Cardiovascular phenotype. Identifiers: MedGen CN230736.
Cardiomyopathy (CMYO). Also called: Cardiomyopathies. Identifiers: Orphanet 167848, MedGen C0878544, MONDO:0004994, HP:0001638. Inheritance: Various modes of inheritance.
Hypertrophic cardiomyopathy. Also called: HYPERTROPHIC MYOCARDIOPATHY. Identifiers: Orphanet 217569, MedGen C0007194, MeSH D002312, MONDO:0005045, HP:0001639.

Allele frequency attached by ClinVar (database versions not stated): gnomAD 0.00001; gnomAD exomes 0.00001; TOPMed below 0.00001.

Submissions (5):

Color Diagnostics, LLC DBA Color Health
Classification: Likely benign for Cardiomyopathy. Last evaluated: 2025-07-15. Review status: criteria provided, single submitter. Criteria: ACMG Guidelines, 2015. Collection method: clinical testing. Allele origin: germline.

All of Us Research Program, National Institutes of Health
Classification: Uncertain significance for Hypertrophic cardiomyopathy. Last evaluated: 2024-08-06. Review status: criteria provided, single submitter. Criteria: ACMG Guidelines, 2015. Collection method: clinical testing. Allele origin: germline. Inheritance: Autosomal dominant inheritance. Observed: 5 variant alleles, 5 heterozygotes.
Comment: This missense variant replaces alanine with valine at codon 111 of the MYBPC3 protein. Computational prediction suggests that this variant may not impact protein structure and function (internally defined REVEL score threshold <= 0.5, PMID: 27666373). To our knowledge, functional studies have not been reported for this variant. This variant has not been reported in individuals affected with cardiovascular disorders in the literature. This variant has not been identified in the general population by the Genome Aggregation Database (gnomAD). The available evidence is insufficient to determine the role of this variant in disease conclusively. Therefore, this variant is classified as a Variant of Uncertain Significance.

This study involves interpretation of variants in research participants for the purpose of population health screening. Participant phenotype was not available at the time of variant classification. Additional details can be found in publication PMID: 35346344, PMCID: PMC8962531

Ambry Genetics
Classification: Likely benign for Cardiovascular phenotype. Last evaluated: 2024-06-10. Review status: criteria provided, single submitter. Criteria: Ambry Variant Classification Scheme 2023. Collection method: clinical testing. Allele origin: germline.

Labcorp Genetics (formerly Invitae), Labcorp
Classification: Uncertain significance for Hypertrophic cardiomyopathy. Last evaluated: 2023-08-07. Review status: criteria provided, single submitter. Criteria: Invitae Variant Classification Sherloc (09022015). Collection method: clinical testing. Allele origin: germline.
Comment: The frequency data for this variant in the population databases is considered unreliable, as metrics indicate poor data quality at this position in the gnomAD database. In summary, the available evidence is currently insufficient to determine the role of this variant in disease. Therefore, it has been classified as a Variant of Uncertain Significance. An algorithm developed to predict the effect of missense changes on protein structure and function (PolyPhen-2) suggests that this variant¬†is likely to be tolerated. ClinVar contains an entry for this variant (Variation ID: 180921). This variant has not been reported in the literature in individuals affected with MYBPC3-related conditions. This sequence change replaces alanine, which is neutral and non-polar, with valine, which is neutral and non-polar, at codon 111 of the MYBPC3 protein (p.Ala111Val).

GeneDx
Classification: Uncertain significance. Last evaluated: 2022-08-29. Review status: criteria provided, single submitter. Criteria: GeneDx Variant Classification Process June 2021. Collection method: clinical testing. Allele origin: germline. Affected: yes.
Comment: Has been reported as a variant of uncertain significance in association with HCM (Ingles et al., 2019); In silico analysis supports that this missense variant does not alter protein structure/function; This variant is associated with the following publications: (PMID: 30681346)

NM_000256.3(MYBPC3):c.332C>T (p.Ala111Val)

Gene: MYBPC3 (myosin binding protein C3; minus strand). Cytogenetic location: 11p11.2.
Variant type: single nucleotide variant.
Coding change: c.332C>T on transcript NM_000256.3 (MANE Select); coding-DNA position 332, C replaced by T.
Protein change: p.Ala111Val; replaces alanine 111 with valine.
Molecular consequence: missense variant.
Genome position (GRCh38, 1-based): chr11:47,350,576, G>A on the plus strand (C>T on the coding strand, the complement: MYBPC3 is on the minus strand). VCF-style: chr11-47350576-G-A. GRCh37 (hg19) VCF-style: chr11-47372127-G-A.
Other names: p.A111V:GCT>GTT; c.332C>T, p.Ala111Val (LRG_386t1); short protein forms A111V.
Identifiers: ClinVar variation 180921 (VCV000180921.20), dbSNP rs730880530, ClinGen allele CA013936.